The following is an entry in ClinVar:

ClinVar aggregate classification (germline): Pathogenic. Review status: criteria provided, multiple submitters, no conflicts (2 of 4 stars). 6 submissions from 6 submitters: Pathogenic (5). 1 of the submissions does not count toward it. Last evaluated 2025-08-13.

Conditions:
Primary hyperoxaluria. Identifiers: Orphanet 416, MedGen C0020501, MONDO:0002474.
Primary hyperoxaluria, type I (HP1). Also called: GLYCOLIC ACIDURIA; HEPATIC AGT DEFICIENCY; OXALOSIS I; Primary hyperoxaluria type 1. Identifiers: Orphanet 416, Orphanet 93598, MedGen C0268164, MONDO:0009823, OMIM 259900. Disease mechanism: loss of function.

Submissions (6):

3billion
Classification: Pathogenic for Primary hyperoxaluria, type I. Last evaluated: 2025-08-13. Review status: criteria provided, single submitter. Criteria: ACMG Guidelines, 2015. Collection method: clinical testing. Allele origin: germline. Affected: yes.
Comment: The variant is observed at an extremely low frequency in the gnomAD v4.1.0 dataset (total allele frequency: <0.001%). Predicted Consequence/Location: Frameshift: predicted to result in a loss or disruption of normal protein function through nonsense-mediated decay (NMD) or protein truncation. Multiple pathogenic variants are reported downstream of the variant. The variant has been reported at least twice as pathogenic without evidence for the classification (ClinVar ID: VCV000204192 /PMID: 19479957). Therefore, this variant is classified as Pathogenic according to the recommendation of ACMG/AMP guideline.

Revvity Omics, Revvity
Classification: Pathogenic for Primary hyperoxaluria, type I. Last evaluated: 2024-08-20. Review status: criteria provided, single submitter. Criteria: ACMG Guidelines, 2015. Collection method: clinical testing. Allele origin: germline.

Labcorp Genetics (formerly Invitae), Labcorp
Classification: Pathogenic. Last evaluated: 2024-06-11. Review status: criteria provided, single submitter. Criteria: Invitae Variant Classification Sherloc (09022015). Collection method: clinical testing. Allele origin: germline.
Comment: This sequence change creates a premature translational stop signal (p.Leu193Profs*32) in the AGXT gene. It is expected to result in an absent or disrupted protein product. Loss-of-function variants in AGXT are known to be pathogenic (PMID: 19479957). This variant is not present in population databases (gnomAD no frequency). This premature translational stop signal has been observed in individual(s) with primary hyperoxaluria (PMID: 19479957, 37464296). ClinVar contains an entry for this variant (Variation ID: 204192). For these reasons, this variant has been classified as Pathogenic.

Baylor Genetics
Classification: Pathogenic for Primary hyperoxaluria, type I. Last evaluated: 2023-11-28. Review status: criteria provided, single submitter. Criteria: ACMG Guidelines, 2015. Collection method: clinical testing. Allele origin: unknown.

Women's Health and Genetics/Laboratory Corporation of America, LabCorp
Classification: Pathogenic for Primary hyperoxaluria. Last evaluated: 2023-03-02. Review status: criteria provided, single submitter. Criteria: LabCorp Variant Classification Summary - May 2015. Collection method: clinical testing. Allele origin: germline.
Comment: Variant summary: AGXT c.577dupC (p.Leu193ProfsX32) results in a premature termination codon, predicted to cause a truncation of the encoded protein or absence of the protein due to nonsense mediated decay, which are commonly known mechanisms for disease. Truncations downstream of this position have been classified as pathogenic by our laboratory. The variant was absent in 249482 control chromosomes. c.577dupC has been reported in the literature in multiple individuals affected with Primary Hyperoxaluria Type 1 (Williams_2009, Williams_2015, Abid_2022). These data indicate that the variant is very likely to be associated with disease. To our knowledge, no experimental evidence demonstrating an impact on protein function has been reported. One (other) submitter has provided a clinical-significance assessment for this variant to ClinVar after 2014, and classified the variant as pathogenic. Based on the evidence outlined above, the variant was classified as pathogenic.

Clinical Biochemistry Laboratory, Health Services Laboratory
Classification: Pathogenic for Primary hyperoxaluria, type I. Last evaluated: 2014-11-27. Review status: no assertion criteria provided. Collection method: research. Allele origin: germline. Affected: yes. Not counted in ClinVar's aggregate classification.

Literature cited by the submitters: PubMed 19479957 (cited by 4 submitters); PubMed 37464296 (cited by Labcorp Genetics (formerly Invitae), Labcorp); PubMed 25629080 (cited by Women's Health and Genetics/Laboratory Corporation of America, LabCorp); PubMed 36185032 (cited by Women's Health and Genetics/Laboratory Corporation of America, LabCorp).

NM_000030.3(AGXT):c.577dup (p.Leu193fs)

Gene: AGXT (alanine--glyoxylate aminotransferase; plus strand). Cytogenetic location: 2q37.3.
Variant type: Duplication.
Coding change: c.577dup on transcript NM_000030.3 (MANE Select); coding-DNA position 577, one base duplicated (C; older notation c.577dupC).
Protein change: p.Leu193fs; shifts the reading frame from leucine 193.
Molecular consequence: frameshift variant.
Genome position (GRCh38, 1-based): chr2:240,873,031, C duplicated; the last of 6 consecutive C bases (chr2:240,873,026-240,873,031); duplicating any one gives the same sequence. VCF-style (leftmost placement, unchanged base first): chr2-240873025-A-AC. GRCh37 (hg19) VCF-style: chr2-241812442-A-AC.
Other names: c.577dup (NM_000030.2); short protein forms L193fs.
Identifiers: ClinVar variation 204192 (VCV000204192.15), dbSNP rs180177241, ClinGen allele CA275843.
Genomic context (GRCh38, chr2:240,873,025, plus strand): 5'-CCCCACCTCTCCAGGTACAAGTGCCTGCTCCTGGTGGATTCGGTGGCATCCCTGGGCGGG[A>AC]CCCCCCTTTACATGGACCGGCAAGGTAAGGGTGGGCTCTGAGAGCCCTACCCAGCCCAAG-3'